The following is an entry in ClinVar:

NM_015425.6(POLR1A):c.892T>C (p.Phe298Leu)

Gene: POLR1A (RNA polymerase I subunit A; minus strand). Cytogenetic location: 2p11.2.
Variant type: single nucleotide variant.
Coding change: c.892T>C on transcript NM_015425.6 (MANE Select); coding-DNA position 892, T replaced by C.
Protein change: p.Phe298Leu; replaces phenylalanine 298 with leucine.
Molecular consequence: missense variant.
Genome position (GRCh38, 1-based): chr2:86,081,632, A>G on the plus strand (T>C on the coding strand, the complement: POLR1A is on the minus strand). VCF-style: chr2-86081632-A-G. GRCh37 (hg19) VCF-style: chr2-86308755-A-G.
Other names: short protein forms F298L.
Identifiers: ClinVar variation 4083240 (VCV004083240.1).

ClinVar aggregate classification (germline): Uncertain significance (1 of 4 stars; one submission).

Submission:

GeneDx
Classification: Uncertain significance. Last evaluated: 2025-03-12. Review status: criteria provided, single submitter. Criteria: GeneDx Variant Classification Process June 2021. Collection method: clinical testing. Allele origin: germline. Affected: yes.
Comment: Not observed at significant frequency in large population cohorts (gnomAD); In silico analysis supports that this missense variant has a deleterious effect on protein structure/function; Has not been previously published as pathogenic or benign to our knowledge